The following is an entry in ClinVar:

NM_000138.5(FBN1):c.5936T>C (p.Leu1979Pro)

Gene: FBN1 (fibrillin 1; minus strand). Cytogenetic location: 15q21.1.
Variant type: single nucleotide variant.
Coding change: c.5936T>C on transcript NM_000138.5 (MANE Select); coding-DNA position 5936, T replaced by C.
Protein change: p.Leu1979Pro; replaces leucine 1979 with proline.
Molecular consequence: missense variant.
Genome position (GRCh38, 1-based): chr15:48,444,642, A>G on the plus strand (T>C on the coding strand, the complement: FBN1 is on the minus strand). VCF-style: chr15-48444642-A-G. GRCh37 (hg19) VCF-style: chr15-48736839-A-G.
Other names: c.5936T>C, p.Leu1979Pro (NM_001406716.1); short protein forms L1979P.
Identifiers: ClinVar variation 2944436 (VCV002944436.4), dbSNP rs1333100611, ClinGen allele CA392339865.

ClinVar aggregate classification (germline): Conflicting classifications of pathogenicity. Review status: criteria provided, conflicting classifications (1 of 4 stars). 2 submissions from 2 submitters: Uncertain significance (1); Benign (1). Last evaluated 2024-02-17.

Conditions:
Marfan syndrome (MFS). Also called: MARFAN SYNDROME, TYPE I; Marfan syndrome type 1; Marfan's syndrome; Marfan syndrome, classic; FBN1-Related Marfan Syndrome. Identifiers: Orphanet 284963, Orphanet 558, MedGen C0024796, MONDO:0007947, OMIM 154700.
Familial thoracic aortic aneurysm and aortic dissection (TAAD). Also called: Thoracic aortic aneurysms and dissections. Identifiers: Orphanet 91387, MedGen C4707243, MONDO:0019625.

Allele frequency attached by ClinVar (database versions not stated): TOPMed 0.00001; gnomAD exomes below 0.00001.
gnomAD v4.1: 1 of 1,613,606 alleles (0.000062%); highest among the groups gnomAD compares: African/African-American, 0.0013%; no homozygotes.

Submissions (2):

Labcorp Genetics (formerly Invitae), Labcorp
Classification: Benign for Marfan syndrome; Familial thoracic aortic aneurysm and aortic dissection. Last evaluated: 2024-02-17. Review status: criteria provided, single submitter. Criteria: Invitae Variant Classification Sherloc (09022015). Collection method: clinical testing. Allele origin: germline.

GeneDx
Classification: Uncertain significance. Last evaluated: 2023-06-28. Review status: criteria provided, single submitter. Criteria: GeneDx Variant Classification Process June 2021. Collection method: clinical testing. Allele origin: germline. Affected: yes.
Comment: Not observed at significant frequency in large population cohorts (gnomAD); In silico analysis supports that this missense variant does not alter protein structure/function; Has not been previously published as pathogenic or benign to our knowledge; Although located in a calcium-binding EGF-like domain of the FBN1 gene, it does not affect a cysteine residue within this domain; cysteine substitutions in the calcium-binding EGF-like domains represent the majority of pathogenic missense changes associated with FBN1-related disorders (Collod-Beroud et al., 2003); This variant is associated with the following publications: (PMID: 12938084)